The following is an entry in ClinVar:

NM_000545.8(HNF1A):c.827C>G (p.Ala276Gly)

Gene: HNF1A (HNF1 homeobox A; plus strand). Cytogenetic location: 12q24.31.
Variant type: single nucleotide variant.
Coding change: c.827C>G on transcript NM_000545.8 (MANE Select); coding-DNA position 827, C replaced by G.
Protein change: p.Ala276Gly; replaces alanine 276 with glycine.
Molecular consequence: missense variant.
Genome position (GRCh38, 1-based): chr12:120,994,277, C>G. VCF-style: chr12-120994277-C-G. GRCh37 (hg19) VCF-style: chr12-121432080-C-G.
Other names: c.827C>G (NM_000545.6, NM_000545.6); c.827C>G, p.Ala276Gly (NM_001306179.2); short protein forms A276G.
Identifiers: ClinVar variation 36832 (VCV000036832.22), dbSNP rs137853245, ClinGen allele CA214333.

ClinVar aggregate classification (germline): Likely pathogenic. Review status: reviewed by expert panel (3 of 4 stars). 9 submissions from 9 submitters: Likely pathogenic (1). 8 of the submissions do not count toward it. Last evaluated 2022-05-03.

Conditions:
HNF1A-related disorders.
Monogenic diabetes. Identifiers: Orphanet 183625, MedGen C3888631, MONDO:0015967.
Nonpapillary renal cell carcinoma. Identifiers: Orphanet 422526, MedGen CN074294, MONDO:0007763, OMIM 144700.
Maturity-onset diabetes of the young type 3. Also called: MODY, type III; MODY type 3. Identifiers: Orphanet 552, MedGen C1838100, MeSH C563933, MONDO:0010894, OMIM 600496. Disease mechanism: loss of function.
Hepatic adenomas, familial. Also called: LIVER CELL ADENOMAS, FAMILIAL; HEPATIC ADENOMA, SOMATIC. Identifiers: MedGen C1840646, MONDO:0007718, OMIM 142330.
Type 2 diabetes mellitus. Also called: Type II diabetes mellitus. Identifiers: MedGen C0011860, MeSH D003924, MONDO:0005148, OMIM 125853, HP:0005978.
Type 1 diabetes mellitus 20 (T1D20). Also called: Diabetes mellitus, insulin-dependent, 20. Identifiers: MedGen C2675866, MONDO:0012919, OMIM 612520.
Diabetes mellitus type 1 (T1D). Also called: Type I diabetes mellitus; Diabetes Mellitus, Juvenile-Onset. Identifiers: MedGen C0011854, MONDO:0005147, OMIM 222100, HP:0100651.

Allele frequency attached by ClinVar (database versions not stated): gnomAD 0.00003; TOPMed 0.00001.
gnomAD v4.1: 14 of 1,613,406 alleles (0.00087%); highest among the groups gnomAD compares: East Asian, 0.0045%; no homozygotes.

Submissions (9):

ClinGen Monogenic Diabetes Variant Curation Expert Panel
Classification: Likely pathogenic for Monogenic diabetes. Last evaluated: 2022-05-03. Review status: reviewed by expert panel. Criteria: ClinGen Diabetes ACMG Specifications v1 1. Collection method: curation. Allele origin: germline. Inheritance: Autosomal dominant inheritance.
Comment: The c.827C>G variant in the HNF1 homeobox A gene, HNF1A, causes an amino acid change of alanine to glycine at codon 276 (p.(Ala276Gly)) of NM_000545.8. This variant is located within a conserved region of the DNA binding domain (codons 107-174 and 201-280) of HNF1A, which is defined as critical for the protein’s function by the ClinGen MDEP (PM1_Supporting). This variant also is predicted to be deleterious by computational evidence, with a REVEL score of 0.901, which is greater than the MDEP VCEP threshold of 0.70 (PP3). Additionally, this variant has a minor allele frequency of 0.000007816 in the gnomAD v2.1.1 European non-Finnish population and one copy in another subpopulation, which is less than the ClinGen MDEP threshold for PM2_Supporting (less than or equal to 0.00002 and less than or equal to 1 copy in any other subpopulation) (PM2_Supporting). This variant was identified in 6 unrelated individuals with non- autoimmune and non-absolute/near-absolute insulin-deficient diabetes (PS4_Moderate; internal lab contributors). At least one of these individuals had a clinical history highly specific for HNF1A-MODY (MODY probability calculator result >50%, negative genetic testing for HNF4A, antibody negative, and response to low dose sulfonylureas) (PP4_Moderate; internal lab contributor). Another missense variant, c.827C>A (p.Ala276Asp), has been classified as pathogenic by the ClinGen MDEP but has a greater Grantham distance than p.Ala276Gly (PM5_Supporting). In summary, c.827C>G meets the criteria to be classified as likely pathogenic for monogenic diabetes. ACMG/AMP criteria applied, as specified by the ClinGen MDEP (specification version 1.1, approved 9/30/2021): PM1_Supporting, PP3, PM2_Supporting, PS4_Moderate, PP4_Moderate, PM5_Supporting.

GeneDx
Classification: Likely pathogenic. Last evaluated: 2026-10-07. Review status: criteria provided, single submitter. Criteria: GeneDx Variant Classification Process June 2021. Collection method: clinical testing. Allele origin: germline. Not counted in ClinVar's aggregate classification.
Comment: Reported in association with MODY in published literature (PMID: 18003757, 22432796); detailed patient clinical information not provided; Not observed at significant frequency in large population cohorts (gnomAD); In silico analysis suggests that this missense variant does not alter protein structure/function; This variant is associated with the following publications: (PMID: 24097065, 27899486, 22432796, 33363396, 36208030, 18003757, 12453420)

Fulgent Genetics
Classification: Likely pathogenic for Type 2 diabetes mellitus; Hepatic adenomas, familial; Nonpapillary renal cell carcinoma; Diabetes mellitus type 1; Maturity-onset diabetes of the young type 3; Type 1 diabetes mellitus 20. Last evaluated: 2024-02-06. Review status: criteria provided, single submitter. Criteria: ACMG Guidelines, 2015. Collection method: clinical testing. Allele origin: germline. Not counted in ClinVar's aggregate classification.

Blueprint Genetics
Classification: Likely pathogenic for HNF1A-related disorders. Last evaluated: 2023-12-21. Review status: criteria provided, single submitter. Criteria: ACMG Guidelines, 2015. Collection method: clinical testing. Allele origin: germline. Affected: yes. Observed: 5 variant alleles. Not counted in ClinVar's aggregate classification.

Revvity Omics, Revvity
Classification: Likely pathogenic. Last evaluated: 2023-04-05. Review status: criteria provided, single submitter. Criteria: ACMG Guidelines, 2015. Collection method: clinical testing. Allele origin: germline. Not counted in ClinVar's aggregate classification.

Baylor Genetics
Classification: Likely pathogenic for Maturity-onset diabetes of the young type 3. Last evaluated: 2023-01-06. Review status: criteria provided, single submitter. Criteria: ACMG Guidelines, 2015. Collection method: clinical testing. Allele origin: unknown. Not counted in ClinVar's aggregate classification.

Department of Endocrinology, The Second Medical Center & National Clinical Research Center for Geriatric Diseases, Chinese PLA General Hospital
Classification: Likely pathogenic for Maturity-onset diabetes of the young type 3. Last evaluated: 2021-09-11. Review status: criteria provided, single submitter. Criteria: ACMG Guidelines, 2015. Collection method: research. Allele origin: maternal, unknown. Inheritance: Autosomal dominant inheritance. Affected: yes. Not counted in ClinVar's aggregate classification.
Comment: The variant c.827C>G:p.A276G in exon 3 of HNF1A is a heterozygous mutation. This mutation resides within the HOX domain (residues 199–282), a region responsible for DNA binding via a helix-turn-helix (HTH) motif. Tertiary structure modeling revealed that substitution of alanine (a hydrophobic residue with a short side chain) by glycine (which lacks a side chain) induces local conformational changes. Specifically, the orientation of adjacent amino acid side chains was altered, and the helical geometry was subtly distorted. This variant has a very low frequency in the 1000 Genomes database, ExAC database, and dbSNP database. Currently, it is known that it has only been reported in one literature and was found in the MODY3 sample of Caucasian population (PMID:18003757). The pathogenicity of the variant was evaluated according to the sequence variant interpretation criteria and guidelines published by ACMG, and the variant was evaluated as likely pathogenic.

Broad Center for Mendelian Genomics, Broad Institute of MIT and Harvard
Classification: Uncertain significance for Monogenic diabetes. Last evaluated: 2020-01-22. Review status: criteria provided, single submitter. Criteria: ACMG Guidelines, 2015. Collection method: curation. Allele origin: germline. Inheritance: Autosomal dominant inheritance. Not counted in ClinVar's aggregate classification.
Comment: The p.Ala276Gly variant in HNF1A has been reported in 2 individuals with Monogenic Diabetes (PMID: 18003757, 22432796), and has been identified in 0.004101% (1/24384) of African chromosomes and 0.0007816% (1/127936) of European (non-Finnish) chromosomes by the Genome Aggregation Database (gnomAD; dbSNP rs137853245). This variant has also been reported in 1 individual without diabetes (PMID: 24097065). Although this variant has been seen in the general population, its frequency is low enough to be consistent with a carrier frequency. Please note that for diseases with clinical variability, or reduced penetrance, pathogenic variants may be present at a low frequency in the general population. This variant has also been reported likely pathogenic in ClinVar (Variation ID: 36832). Computational prediction tools and conservation analyses suggest that this variant may impact the protein, though this information is not predictive enough to determine pathogenicity. One additional variant causing a different amino acid change at the same position, p.Ala276Asp, has been reported in association with disease in ClinVar, slightly supporting that a change at this position may not be tolerated (Variation ID: 14945). Multiple variants in the same region as p.Ala276Gly have been reported in association with disease in ClinVar, suggesting that this variant is in a mutational hot spot and slightly supports pathogenicity (Variation ID: 447504, 14931, 447503, 449403, 265193). In summary, while there is some suspicion for a pathogenic role, the clinical significance of this variant is uncertain. ACMG/AMP Criteria applied: PM2_Supporting, PP3, PM5_Supporting, PS4_Supporting, PM1_Supporting (Richards 2015).

Women's Health and Genetics/Laboratory Corporation of America, LabCorp
Classification: Likely pathogenic for MODY3. Last evaluated: 2011-08-18. Review status: criteria provided, single submitter. Criteria: LabCorp Variant Classification Summary - May 2015. Collection method: curation, clinical testing. Allele origin: germline. Inheritance: autosomal dominant. Affected: yes. Observed: 1 variant allele. Not counted in ClinVar's aggregate classification.
ClinVar note: Converted during submission from likely pathogenic to Likely pathogenic.

Literature cited by the submitters: PubMed 18003757 (cited by 3 submitters); PubMed 22432796 (cited by Broad Center for Mendelian Genomics, Broad Institute of MIT and Harvard); PubMed 24097065 (cited by Broad Center for Mendelian Genomics, Broad Institute of MIT and Harvard).